The following is an entry in ClinVar:

ClinVar aggregate classification (germline): Likely benign. Review status: criteria provided, multiple submitters, no conflicts (2 of 4 stars). 2 submissions from 2 submitters: Likely benign (2). Last evaluated 2024-10-16.

Submissions (2):

Blueprint Genetics
Classification: Likely benign. Last evaluated: 2024-10-16. Review status: criteria provided, single submitter. Criteria: ACMG Guidelines, 2015. Collection method: clinical testing. Allele origin: germline.

CeGaT Center for Human Genetics Tuebingen
Classification: Likely benign. Last evaluated: 2024-09-01. Review status: criteria provided, single submitter. Criteria: CeGaT Center For Human Genetics Tuebingen Variant Classification Criteria Version 2. Collection method: clinical testing. Allele origin: germline. Affected: yes. Observed: 1 variant allele.
Comment: ATAD3A: BP4, BP7

NM_001170535.3(ATAD3A):c.939C>T (p.Asp313=)

Gene: ATAD3A (ATPase family AAA domain containing 3A; plus strand). Cytogenetic location: 1p36.33.
Variant type: single nucleotide variant.
Coding change: c.939C>T on transcript NM_001170535.3 (MANE Select); coding-DNA position 939, C replaced by T.
Protein change: p.Asp313=; no amino-acid change (aspartic acid 313 retained).
Molecular consequence: synonymous variant.
Genome position (GRCh38, 1-based): chr1:1,523,543, C>T. VCF-style: chr1-1523543-C-T. GRCh37 (hg19) VCF-style: chr1-1458923-C-T.
Other names: c.702C>T, p.Asp234= (NM_001170536.3); c.1083C>T, p.Asp361= (NM_018188.5).
Identifiers: ClinVar variation 3388957 (VCV003388957.15).